The following is an entry in ClinVar:

ClinVar aggregate classification (germline): Uncertain significance (1 of 4 stars; one submission).

Conditions:
Myofibrillar myopathy 5. Also called: Filaminopathy (type); FILAMINOPATHY, AUTOSOMAL DOMINANT. Identifiers: Orphanet 171445, MedGen C1836050, MONDO:0012289, OMIM 609524.
Hypertrophic cardiomyopathy 26. Also called: Cardiomyopathy, familial hypertrophic, 26. Identifiers: Orphanet 75249, MedGen C4310749, MONDO:0014883, OMIM 617047.
Distal myopathy with posterior leg and anterior hand involvement. Also called: WILLIAMS DISTAL MYOPATHY. Identifiers: Orphanet 63273, MedGen C3279722, MONDO:0013550, OMIM 614065.

gnomAD v4.1: 5 of 1,614,176 alleles (0.00031%); highest among the groups gnomAD compares: Non-Finnish European, 0.00034%; no homozygotes.

Submission:

Labcorp Genetics (formerly Invitae), Labcorp
Classification: Uncertain significance for Distal myopathy with posterior leg and anterior hand involvement; Myofibrillar myopathy 5; Hypertrophic cardiomyopathy 26. Last evaluated: 2025-05-13. Review status: criteria provided, single submitter. Criteria: Invitae Variant Classification Sherloc (09022015). Collection method: clinical testing. Allele origin: germline.
Comment: This sequence change replaces aspartic acid, which is acidic and polar, with glutamic acid, which is acidic and polar, at codon 2462 of the FLNC protein (p.Asp2462Glu). This variant is not present in population databases (gnomAD no frequency). This variant has not been reported in the literature in individuals affected with FLNC-related conditions. ClinVar contains an entry for this variant (Variation ID: 1522148). An algorithm developed to predict the effect of missense changes on protein structure and function (PolyPhen-2) suggests that this variant is likely to be disruptive. In summary, the available evidence is currently insufficient to determine the role of this variant in disease. Therefore, it has been classified as a Variant of Uncertain Significance.

NM_001458.5(FLNC):c.7386C>G (p.Asp2462Glu)

Genes: FLNC (filamin C; plus strand), FLNC-AS1 (FLNC antisense RNA 1; minus strand). Cytogenetic location: 7q32.1.
Variant type: single nucleotide variant.
Coding change: c.7386C>G on transcript NM_001458.5 (MANE Select); coding-DNA position 7386, C replaced by G.
Protein change: p.Asp2462Glu; replaces aspartic acid 2462 with glutamic acid.
Molecular consequence: missense variant.
Genome position (GRCh38, 1-based): chr7:128,856,746, C>G. VCF-style: chr7-128856746-C-G. GRCh37 (hg19) VCF-style: chr7-128496800-C-G.
Other names: c.7287C>G, p.Asp2429Glu (NM_001127487.2); short protein forms D2429E, D2462E.
Identifiers: ClinVar variation 1522148 (VCV001522148.6), dbSNP rs2128940208, ClinGen allele CA369217159.
Genomic context (GRCh38, chr7:128,856,746, plus strand): 5'-GCTGGGGCCTTCTGGGGAGGGGAAGGATGGAGGCTAAGCCACCAACCCTTTATCCACAGA[C>G]AAGCACACCATCCGCTTCATCCCCCACGAGAATGGCGTCCACTCCATCGATGTCAAGTTC-3'
Protein context (NP_001449.3, residues 2452-2472): EECYVSELDS[Asp2462Glu]KHTIRFIPHE